The following is an entry in ClinVar:

NM_199420.4(POLQ):c.1778A>C (p.Glu593Ala)

Gene: POLQ (DNA polymerase theta; minus strand). Cytogenetic location: 3q13.33.
Variant type: single nucleotide variant.
Coding change: c.1778A>C on transcript NM_199420.4 (MANE Select); coding-DNA position 1778, A replaced by C.
Protein change: p.Glu593Ala; replaces glutamic acid 593 with alanine.
Molecular consequence: missense variant.
Genome position (GRCh38, 1-based): chr3:121,510,077, T>G on the plus strand (A>C on the coding strand, the complement: POLQ is on the minus strand). VCF-style: chr3-121510077-T-G. GRCh37 (hg19) VCF-style: chr3-121228924-T-G.
Other names: short protein forms E593A.
Identifiers: ClinVar variation 1779907 (VCV001779907.2), dbSNP rs2546802548, ClinGen allele CA354114452.

ClinVar aggregate classification (germline): Uncertain significance (1 of 4 stars; one submission).

Submission:

Ambry Genetics
Classification: Uncertain significance. Last evaluated: 2022-06-02. Review status: criteria provided, single submitter. Criteria: Ambry Variant Classification Scheme 2023. Collection method: clinical testing. Allele origin: germline.
Comment: The p.E593A variant (also known as c.1778A>C), located in coding exon 11 of the POLQ gene, results from an A to C substitution at nucleotide position 1778. The glutamic acid at codon 593 is replaced by alanine, an amino acid with dissimilar properties. This amino acid position is conserved. In addition, this alteration is predicted to be tolerated by in silico analysis. Since supporting evidence is limited at this time, the clinical significance of this alteration remains unclear.